The following is an entry in ClinVar:

NM_020778.5(ALPK3):c.655G>C (p.Asp219His)

Gene: ALPK3 (alpha kinase 3; plus strand). Cytogenetic location: 15q25.3.
Variant type: single nucleotide variant.
Coding change: c.655G>C on transcript NM_020778.5 (MANE Select); coding-DNA position 655, G replaced by C.
Protein change: p.Asp219His; replaces aspartic acid 219 with histidine.
Molecular consequence: missense variant.
Genome position (GRCh38, 1-based): chr15:84,839,934, G>C. VCF-style: chr15-84839934-G-C. GRCh37 (hg19) VCF-style: chr15-85383165-G-C.
Other names: short protein forms D219H.
Identifiers: ClinVar variation 3617217 (VCV003617217.2).

ClinVar aggregate classification (germline): Uncertain significance (1 of 4 stars; one submission).

Submission:

Labcorp Genetics (formerly Invitae), Labcorp
Classification: Uncertain significance. Last evaluated: 2025-01-21. Review status: criteria provided, single submitter. Criteria: Invitae Variant Classification Sherloc (09022015). Collection method: clinical testing. Allele origin: germline.
Comment: This sequence change replaces aspartic acid, which is acidic and polar, with histidine, which is basic and polar, at codon 421 of the ALPK3 protein (p.Asp421His). This variant is not present in population databases (gnomAD no frequency). This variant has not been reported in the literature in individuals affected with ALPK3-related conditions. Invitae Evidence Modeling of protein sequence and biophysical properties (such as structural, functional, and spatial information, amino acid conservation, physicochemical variation, residue mobility, and thermodynamic stability) indicates that this missense variant is expected to disrupt ALPK3 protein function with a positive predictive value of 80%. In summary, the available evidence is currently insufficient to determine the role of this variant in disease. Therefore, it has been classified as a Variant of Uncertain Significance.